The following is an entry in ClinVar:

ClinVar aggregate classification (germline): Uncertain significance (1 of 4 stars; one submission).

Conditions:
Short stature due to primary acid-labile subunit deficiency. Also called: Acid-labile subunit deficiency; Acid-labile subunit, deficiency of. Identifiers: Orphanet 140941, MedGen C3900122, MONDO:0014420, OMIM 615961.

Allele frequency attached by ClinVar (database versions not stated): gnomAD exomes 0.00002; TOPMed 0.00002; ExAC 0.00003; gnomAD 0.00003.
gnomAD v4.1: 28 of 1,608,978 alleles (0.0017%); highest among the groups gnomAD compares: South Asian, 0.0077%; no homozygotes.

Submission:

Illumina Laboratory Services, Illumina
Classification: Uncertain significance for Short stature due to primary acid-labile subunit deficiency. Last evaluated: 2017-06-17. Review status: criteria provided, single submitter. Criteria: ICSL Variant Classification Criteria 13 December 2019. Collection method: clinical testing. Allele origin: germline.
Comment: This variant was observed as part of a predisposition screen in an ostensibly healthy population. A literature search was performed for the gene, cDNA change, and amino acid change (where applicable). Publications were found based on this search. However, the evidence from the literature, in combination with allele frequency data from public databases where available, was not sufficient to rule this variant in or out of causing disease. Therefore, this variant is classified as a variant of unknown significance.

Literature cited by the submitters: PubMed 22678306.

NM_004970.3(IGFALS):c.1133C>T (p.Pro378Leu)

Gene: IGFALS (insulin like growth factor binding protein acid labile subunit; minus strand). Cytogenetic location: 16p13.3.
Variant type: single nucleotide variant.
Coding change: c.1133C>T on transcript NM_004970.3 (MANE Select); coding-DNA position 1133, C replaced by T.
Protein change: p.Pro378Leu; replaces proline 378 with leucine.
Molecular consequence: missense variant. On other transcripts: non-coding transcript variant (1).
Genome position (GRCh38, 1-based): chr16:1,791,285, G>A on the plus strand (C>T on the coding strand, the complement: IGFALS is on the minus strand). VCF-style: chr16-1791285-G-A. GRCh37 (hg19) VCF-style: chr16-1841286-G-A.
Other names: c.1247C>T, p.Pro416Leu (NM_001146006.2); short protein forms P378L, P416L.
Identifiers: ClinVar variation 887597 (VCV000887597.4), dbSNP rs202131276, ClinGen allele CA7820388.
Genomic context (GRCh38, chr16:1,791,285, plus strand): 5'-AGGCAGCTGCCCTCCAGGTGCAGGCTGTGCAGCTTGCCCAGGCCCCGGAACACCTGCTCC[G>A]GAAGGTTCCGGAGACAGTTCCCAGAGAGGTTCATGACCGCCACGTTGGTGAGGCCGAGGA-3'
Protein context (NP_004961.1, residues 368-388): NLSGNCLRNL[Pro378Leu]EQVFRGLGKL